The following is an entry in ClinVar:

NM_004333.6(BRAF):c.1402T>C (p.Phe468Leu)

Gene: BRAF (B-Raf proto-oncogene, serine/threonine kinase; minus strand). Cytogenetic location: 7q34.
Variant type: single nucleotide variant.
Coding change: c.1402T>C on transcript NM_004333.6 (MANE Select); coding-DNA position 1402, T replaced by C.
Protein change: p.Phe468Leu; replaces phenylalanine 468 with leucine.
Molecular consequence: missense variant.
Genome position (GRCh38, 1-based): chr7:140,781,606, A>G on the plus strand (T>C on the coding strand, the complement: BRAF is on the minus strand). VCF-style: chr7-140781606-A-G. GRCh37 (hg19) VCF-style: chr7-140481406-A-G.
Other names: c.1402T>C, p.Phe468Leu (NM_001354609.2, NM_001378468.1, NM_001378474.1); c.1522T>C, p.Phe508Leu (NM_001374244.1, NM_001374258.1); c.1411T>C, p.Phe471Leu (NM_001378467.1); c.1336T>C, p.Phe446Leu (NM_001378469.1); c.1300T>C, p.Phe434Leu (NM_001378470.1); c.1291T>C, p.Phe431Leu (NM_001378471.1); c.1246T>C, p.Phe416Leu (NM_001378472.1, NM_001378473.1); c.1138T>C, p.Phe380Leu (NM_001378475.1); short protein forms F380L, F416L, F431L, F434L, F446L, F468L, F471L, F508L.
Identifiers: ClinVar variation 1163474 (VCV001163474.5), dbSNP rs2129023598, ClinGen allele CA369588884.
Genomic context (GRCh38, chr7:140,781,606, plus strand): 5'-TGTCACAATGTCACCACATTACATACTTACCATGCCACTTTCCCTTGTAGACTGTTCCAA[A>G]TGATCCAGATCCAATTCTTTGTCCCACTGTAATCTGCCCATCAGGAATCTCCCAATCATC-3'
Protein context (NP_004324.2, residues 458-478): TVGQRIGSGS[Phe468Leu]GTVYKGKWHG

ClinVar aggregate classification (germline): Likely pathogenic (1 of 4 stars; one submission).

Submission:

Mayo Clinic Laboratories, Mayo Clinic
Classification: Likely pathogenic. Last evaluated: 2020-03-19. Review status: criteria provided, single submitter. Criteria: ACMG Guidelines, 2015. Collection method: clinical testing. Allele origin: germline. Observed: 1 variant allele.
Comment: PM1, PM2, PM5, PP2

Literature cited by the submitters: PubMed 28278349; PubMed 16439621; PubMed 29084544.